The following is an entry in ClinVar:

NM_205861.3(DHDDS):c.307C>T (p.Arg103Cys)

Gene: DHDDS (dehydrodolichyl diphosphate synthase subunit; plus strand). Cytogenetic location: 1p36.11.
Variant type: single nucleotide variant.
Coding change: c.307C>T on transcript NM_205861.3 (MANE Select); coding-DNA position 307, C replaced by T.
Protein change: p.Arg103Cys; replaces arginine 103 with cysteine.
Molecular consequence: missense variant.
Genome position (GRCh38, 1-based): chr1:26,442,857, C>T. VCF-style: chr1-26442857-C-T. GRCh37 (hg19) VCF-style: chr1-26769348-C-T.
Other names: c.307C>T, p.Arg103Cys (NM_001243564.2, NM_001243565.2, NM_024887.4); c.28C>T, p.Arg10Cys (NM_001319959.2); short protein forms R103C, R10C.
Identifiers: ClinVar variation 848094 (VCV000848094.5), dbSNP rs762393542, ClinGen allele CA705291.

ClinVar aggregate classification (germline): Uncertain significance (1 of 4 stars; one submission).

Conditions:
Retinitis pigmentosa 59 (RP59). Identifiers: Orphanet 791, MedGen C3151227, MONDO:0013468, OMIM 613861.

Allele frequency attached by ClinVar (database versions not stated): ExAC 0.00001; gnomAD exomes 0.00001; TOPMed 0.00001; gnomAD 0.00002.
gnomAD v4.1: 19 of 1,613,930 alleles (0.0012%); highest among the groups gnomAD compares: African/African-American, 0.004%; no homozygotes.

Submission:

Labcorp Genetics (formerly Invitae), Labcorp
Classification: Uncertain significance for Retinitis pigmentosa 59. Last evaluated: 2024-10-20. Review status: criteria provided, single submitter. Criteria: Invitae Variant Classification Sherloc (09022015). Collection method: clinical testing. Allele origin: germline.
Comment: This sequence change replaces arginine, which is basic and polar, with cysteine, which is neutral and slightly polar, at codon 103 of the DHDDS protein (p.Arg103Cys). This variant is present in population databases (rs762393542, gnomAD 0.007%). This variant has not been reported in the literature in individuals affected with DHDDS-related conditions. ClinVar contains an entry for this variant (Variation ID: 848094). Invitae Evidence Modeling of protein sequence and biophysical properties (such as structural, functional, and spatial information, amino acid conservation, physicochemical variation, residue mobility, and thermodynamic stability) indicates that this missense variant is not expected to disrupt DHDDS protein function with a negative predictive value of 80%. In summary, the available evidence is currently insufficient to determine the role of this variant in disease. Therefore, it has been classified as a Variant of Uncertain Significance.